The following is an entry in ClinVar:

NM_016648.4(LARP7):c.1130G>A (p.Arg377Lys)

Genes: MIR302CHG (miR-302/367 cluster host gene; minus strand), LARP7 (La ribonucleoprotein 7, transcriptional regulator; plus strand). Cytogenetic location: 4q25.
Variant type: single nucleotide variant.
Coding change: c.1130G>A on transcript NM_016648.4 (MANE Select); coding-DNA position 1130, G replaced by A.
Protein change: p.Arg377Lys; replaces arginine 377 with lysine.
Molecular consequence: missense variant.
Genome position (GRCh38, 1-based): chr4:112,647,822, G>A. VCF-style: chr4-112647822-G-A. GRCh37 (hg19) VCF-style: chr4-113568978-G-A.
Other names: c.1130G>A, p.Arg377Lys (NM_001267039.4, NM_001370978.1, NM_015454.3); c.1169G>A, p.Arg390Lys (NM_001370974.1, NM_001370975.1); c.1166G>A, p.Arg389Lys (NM_001370976.1, NM_001370977.1); c.1127G>A, p.Arg376Lys (NM_001370979.1, NM_001370980.1); c.893G>A, p.Arg298Lys (NM_001370981.1, NM_001370982.1); short protein forms R377K, R298K, R389K, R390K, R376K.
Identifiers: ClinVar variation 1428081 (VCV001428081.6), dbSNP rs2149268050, ClinGen allele CA357927744.
Genomic context (GRCh38, chr4:112,647,822, plus strand): 5'-GGAAACATAAGAAAAAACATAAAGAGAGACATAAAATGGGAGAAGAAGTTATACCATTAA[G>A]AGTGCTATCAAAGTAAGTCTGTGGTTTAAATTCTGTCATTGGCTTAACAATCCATCACCA-3'
Protein context (NP_057732.2, residues 367-387): HKMGEEVIPL[Arg377Lys]VLSKSEWMDL

ClinVar aggregate classification (germline): Uncertain significance (1 of 4 stars; one submission).

Submission:

Labcorp Genetics (formerly Invitae), Labcorp
Classification: Uncertain significance. Last evaluated: 2023-10-03. Review status: criteria provided, single submitter. Criteria: Invitae Variant Classification Sherloc (09022015). Collection method: clinical testing. Allele origin: germline.
Comment: This sequence change replaces arginine, which is basic and polar, with lysine, which is basic and polar, at codon 377 of the LARP7 protein (p.Arg377Lys). This variant is not present in population databases (gnomAD no frequency). This variant has not been reported in the literature in individuals affected with LARP7-related conditions. ClinVar contains an entry for this variant (Variation ID: 1428081). Advanced modeling of protein sequence and biophysical properties (such as structural, functional, and spatial information, amino acid conservation, physicochemical variation, residue mobility, and thermodynamic stability) performed at Invitae indicates that this missense variant is expected to disrupt LARP7 protein function. In summary, the available evidence is currently insufficient to determine the role of this variant in disease. Therefore, it has been classified as a Variant of Uncertain Significance.